The following is an entry in ClinVar:

ClinVar aggregate classification (germline): Uncertain significance (1 of 4 stars; one submission).

Submission:

GeneDx
Classification: Uncertain significance. Last evaluated: 2026-09-01. Review status: criteria provided, single submitter. Criteria: GeneDx Variant Classification Process June 2021. Collection method: clinical testing. Allele origin: germline.
Comment: Not observed at significant frequency in large population cohorts (gnomAD); Has not been previously published as pathogenic or benign to our knowledge; Canonical splice site variant in a gene for which loss of function is not an established mechanism of disease

NM_001321571.2(CAMK2D):c.220+1G>A

Gene: CAMK2D (calcium/calmodulin dependent protein kinase II delta; minus strand). Cytogenetic location: 4q26.
Variant type: single nucleotide variant.
Coding change: c.220+1G>A on transcript NM_001321571.2 (MANE Select); the canonical splice donor site of the intron after coding-DNA position 220, G replaced by A.
Molecular consequence: splice donor variant.
Genome position (GRCh38, 1-based): chr4:113,661,712, C>T on the plus strand (G>A on the coding strand, the complement: CAMK2D is on the minus strand). VCF-style: chr4-113661712-C-T. GRCh37 (hg19) VCF-style: chr4-114582868-C-T.
Other names: c.-296+1G>A (NM_001321578.2); c.220+1G>A (NM_001321577.2, NM_001399855.1, NM_001399858.1 and 33 more transcripts); c.-241+1G>A (NM_001399864.1, NM_001399863.1); c.103+1G>A (NM_001399861.1, NM_001399862.1, NM_001399860.1 and 2 more transcripts); c.-369+1G>A (NM_001399865.1, NM_001321585.2).
Identifiers: ClinVar variation 4532710 (VCV004532710.2).